The following is an entry in ClinVar:

ClinVar aggregate classification (germline): Uncertain significance. Review status: criteria provided, multiple submitters, no conflicts (2 of 4 stars). 2 submissions from 2 submitters: Uncertain significance (2). Last evaluated 2021-08-31.

Conditions:
Wilson-Turner syndrome (WTS). Also called: INTELLECTUAL DEVELOPMENTAL DISORDER, X-LINKED, SYNDROMIC, WILSON-TURNER TYPE; MENTAL RETARDATION, X-LINKED, SYNDROMIC 6. Identifiers: Orphanet 3459, MedGen C1839736, MONDO:0010665, OMIM 309585.

gnomAD v4.1: 2 of 1,211,860 alleles (0.00017%); no homozygotes.

Submissions (2):

Labcorp Genetics (formerly Invitae), Labcorp
Classification: Uncertain significance for Wilson-Turner syndrome. Last evaluated: 2021-08-31. Review status: criteria provided, single submitter. Criteria: Invitae Variant Classification Sherloc (09022015). Collection method: clinical testing. Allele origin: germline.
Comment: This sequence change replaces threonine with alanine at codon 236 of the LAS1L protein (p.Thr236Ala). The threonine residue is weakly conserved and there is a small physicochemical difference between threonine and alanine. This variant is not present in population databases (ExAC no frequency). This variant has not been reported in the literature in individuals affected with LAS1L-related conditions. Algorithms developed to predict the effect of missense changes on protein structure and function output the following: SIFT: "Tolerated"; PolyPhen-2: "Benign"; Align-GVGD: "Class C0". The alanine amino acid residue is found in multiple mammalian species, which suggests that this missense change does not adversely affect protein function. In summary, the available evidence is currently insufficient to determine the role of this variant in disease. Therefore, it has been classified as a Variant of Uncertain Significance.

Fulgent Genetics
Classification: Uncertain significance for Wilson-Turner syndrome. Last evaluated: 2021-08-09. Review status: criteria provided, single submitter. Criteria: ACMG Guidelines, 2015. Collection method: clinical testing. Allele origin: unknown.

NM_031206.7(LAS1L):c.706A>G (p.Thr236Ala)

Gene: LAS1L (LAS1 like ribosome biogenesis factor; minus strand). Cytogenetic location: Xq12.
Variant type: single nucleotide variant.
Coding change: c.706A>G on transcript NM_031206.7 (MANE Select); coding-DNA position 706, A replaced by G.
Protein change: p.Thr236Ala; replaces threonine 236 with alanine.
Molecular consequence: missense variant. On other transcripts: 5 prime UTR variant (1), non-coding transcript variant (1).
Genome position (GRCh38, 1-based): chrX:65,529,687, T>C on the plus strand (A>G on the coding strand, the complement: LAS1L is on the minus strand). VCF-style: chrX-65529687-T-C. GRCh37 (hg19) VCF-style: chrX-64749567-T-C.
Other names: c.706A>G, p.Thr236Ala (NM_001170649.2, NM_001375328.1, NM_001375329.1 and 7 more transcripts); c.580A>G, p.Thr194Ala (NM_001170650.2); c.-91A>G (NM_001375332.1); short protein forms T194A, T236A.
Identifiers: ClinVar variation 1022624 (VCV001022624.7), dbSNP rs2069367677, ClinGen allele CA413319604.